The following is an entry in ClinVar:

Conditions:
Long QT syndrome 5 (LQT5). Identifiers: Orphanet 101016, Orphanet 768, MedGen C1867904, MONDO:0013372, OMIM 613695.

Submission:

Roden Lab, Vanderbilt University Medical Center
No classification provided (evidence only). Condition: Long QT syndrome 5. Review status: no classification provided. Collection method: in vitro. Allele origin: not applicable. Functional consequence: Effect on ion channel function.
ClinVar note: "not provided" was previously submitted as the classification for the variant. However, the classification appeared to be based only on an observation of functional data so it was converted to no classification on 2025-07-30.

NM_000219.6(KCNE1):c.56A>G (p.Glu19Gly)

Gene: KCNE1 (potassium voltage-gated channel subfamily E regulatory subunit 1; minus strand). Cytogenetic location: 21q22.12.
Variant type: single nucleotide variant.
Coding change: c.56A>G on transcript NM_000219.6 (MANE Select); coding-DNA position 56, A replaced by G.
Protein change: p.Glu19Gly; replaces glutamic acid 19 with glycine.
Molecular consequence: missense variant.
Genome position (GRCh38, 1-based): chr21:34,449,579, T>C on the plus strand (A>G on the coding strand, the complement: KCNE1 is on the minus strand). VCF-style: chr21-34449579-T-C. GRCh37 (hg19) VCF-style: chr21-35821877-T-C.
Other names: c.56A>G, p.Glu19Gly (NM_001127668.4, NM_001127669.4, NM_001127670.4 and 4 more transcripts); short protein forms E19G.
Identifiers: ClinVar variation 3373926 (VCV003373926.2).
Genomic context (GRCh38, chr21:34,449,579, plus strand): 5'-TCACTGCTGCGGGGGGACCTGCGGGCCAGGCCCGACATGTTGCCACCCTGCTGAACTGTC[T>C]CCTGCCACAGCTTGGTCAGAAAGGGCGTCACCGCTGTGGTGTTAGACAGGATCATCCTGG-3'
Protein context (NP_000210.2, residues 9-29): VTPFLTKLWQ[Glu19Gly]TVQQGGNMSG